The following is an entry in ClinVar:

ClinVar aggregate classification (germline): Uncertain significance (1 of 4 stars; one submission).

Allele frequency attached by ClinVar (database versions not stated): gnomAD exomes below 0.00001 and 0.00001; ExAC 0.00001; TOPMed 0.00001.
gnomAD v4.1: 16 of 1,613,924 alleles (0.00099%); highest among the groups gnomAD compares: East Asian, 0.0067%; no homozygotes.

Submission:

GeneDx
Classification: Uncertain significance. Last evaluated: 2019-03-26. Review status: criteria provided, single submitter. Criteria: GeneDx Variant Classification Process June 2021. Collection method: clinical testing. Allele origin: germline. Affected: yes.
Comment: In silico analysis, which includes protein predictors and evolutionary conservation, supports that this variant does not alter protein structure/function; Has not been previously published as pathogenic or benign to our knowledge

NM_001822.7(CHN1):c.470A>G (p.Tyr157Cys)

Gene: CHN1 (chimerin 1; minus strand). Cytogenetic location: 2q31.1.
Variant type: single nucleotide variant.
Coding change: c.470A>G on transcript NM_001822.7 (MANE Select); coding-DNA position 470, A replaced by G.
Protein change: p.Tyr157Cys; replaces tyrosine 157 with cysteine.
Molecular consequence: missense variant.
Genome position (GRCh38, 1-based): chr2:174,877,919, T>C on the plus strand (A>G on the coding strand, the complement: CHN1 is on the minus strand). VCF-style: chr2-174877919-T-C. GRCh37 (hg19) VCF-style: chr2-175742647-T-C.
Other names: c.470A>G, p.Tyr157Cys (NM_001025201.4, NM_001371513.1); c.521A>G, p.Tyr174Cys (NM_001371514.1); short protein forms Y157C, Y174C.
Identifiers: ClinVar variation 1308344 (VCV001308344.2), dbSNP rs772160492, ClinGen allele CA1975024.